The following is an entry in ClinVar:

NM_016035.5(COQ4):c.550T>C (p.Trp184Arg)

Gene: COQ4 (coenzyme Q4; plus strand). Cytogenetic location: 9q34.11.
Variant type: single nucleotide variant.
Coding change: c.550T>C on transcript NM_016035.5 (MANE Select); coding-DNA position 550, T replaced by C.
Protein change: p.Trp184Arg; replaces tryptophan 184 with arginine.
Molecular consequence: missense variant. On other transcripts: intron variant (1).
Genome position (GRCh38, 1-based): chr9:128,332,867, T>C. VCF-style: chr9-128332867-T-C. GRCh37 (hg19) VCF-style: chr9-131095146-T-C.
Other names: c.*3-607T>C (NM_001305942.2); short protein forms W184R.
Identifiers: ClinVar variation 1308293 (VCV001308293.27), dbSNP rs2131235893, ClinGen allele CA375023559.

ClinVar aggregate classification (germline): Uncertain significance. Review status: criteria provided, multiple submitters, no conflicts (2 of 4 stars). 2 submissions from 2 submitters: Uncertain significance (2). Last evaluated 2019-05-06.

Conditions:
Neonatal encephalomyopathy-cardiomyopathy-respiratory distress syndrome. Also called: Coenzyme Q10 deficiency, primary, 7. Identifiers: Orphanet 457185, MedGen C5568562, MONDO:0014562, OMIM 616276.

Allele frequency attached by ClinVar (database versions not stated): gnomAD exomes below 0.00001.

Submissions (2):

GeneDx
Classification: Uncertain significance. Last evaluated: 2019-05-06. Review status: criteria provided, single submitter. Criteria: GeneDx Variant Classification Process June 2021. Collection method: clinical testing. Allele origin: germline. Affected: yes.
Comment: In silico analysis, which includes protein predictors and evolutionary conservation, supports a deleterious effect; Not observed in large population cohorts (Lek et al., 2016); This variant is associated with the following publications: (PMID: 30109123, 31396399, 32907636)

Pediatric Department, Xiangya Hospital, Central South University
Classification: Uncertain significance for Neonatal encephalomyopathy-cardiomyopathy-respiratory distress syndrome. Review status: criteria provided, single submitter. Criteria: ACMG Guidelines, 2015. Collection method: clinical testing. Allele origin: paternal. Inheritance: Autosomal recessive inheritance. Affected: yes. Observed: 2 compound heterozygotes. Clinical features observed: Neurodevelopmental delay, Feeding difficulties, Hypertonia, Abnormal basal ganglia MRI signal intensity.
Comment: This variant was observed in compound heterozygosity with variant (c.743T>C)